The following is an entry in ClinVar:

ClinVar aggregate classification (germline): Uncertain significance. Review status: criteria provided, single submitter (1 of 4 stars). 2 submissions from 2 submitters: Uncertain significance (1). 1 of the submissions does not count toward it. Last evaluated 2024-10-03.

Conditions:
SH3BP2-related disorder. Also called: SH3BP2-related condition.
Fibrous dysplasia of jaw (CRBM). Also called: Cherubism. Identifiers: Orphanet 184, MedGen C0008029, MONDO:0007315, OMIM 118400.

Allele frequency attached by ClinVar (database versions not stated): ExAC 0.00001; gnomAD exomes 0.00001; ESP Exome Variant Server 0.00008.
gnomAD v4.1: 9 of 1,613,658 alleles (0.00056%); highest among the groups gnomAD compares: East Asian, 0.0022%; no homozygotes.

Submissions (2):

Labcorp Genetics (formerly Invitae), Labcorp
Classification: Uncertain significance for Fibrous dysplasia of jaw. Last evaluated: 2024-10-03. Review status: criteria provided, single submitter. Criteria: Invitae Variant Classification Sherloc (09022015). Collection method: clinical testing. Allele origin: germline.
Comment: This sequence change creates a premature translational stop signal (p.Arg342*) in the SH3BP2 gene. It is expected to result in an absent or disrupted protein product. However, the current clinical and genetic evidence is not sufficient to establish whether loss-of-function variants in SH3BP2 cause disease. This variant is present in population databases (rs374788058, gnomAD 0.002%). This variant has not been reported in the literature in individuals affected with SH3BP2-related conditions. In summary, the available evidence is currently insufficient to determine the role of this variant in disease. Therefore, it has been classified as a Variant of Uncertain Significance.

PreventionGenetics, part of Exact Sciences
Classification: Uncertain significance for SH3BP2-related condition. Last evaluated: 2024-02-05. Review status: no assertion criteria provided. Collection method: clinical testing. Allele origin: germline. Not counted in ClinVar's aggregate classification.
Comment: The SH3BP2 c.1024C>T variant is predicted to result in premature protein termination (p.Arg342*). To our knowledge, this variant has not been reported in the literature. This variant is reported in 0.0018% of alleles in individuals of European (Non-Finnish) descent in gnomAD. At this time, the clinical significance of this variant is uncertain due to the absence of conclusive functional and genetic evidence.

NM_001122681.2(SH3BP2):c.1024C>T (p.Arg342Ter)

Gene: SH3BP2 (SH3 domain binding protein 2; plus strand). Cytogenetic location: 4p16.3.
Variant type: single nucleotide variant.
Coding change: c.1024C>T on transcript NM_001122681.2 (MANE Select); coding-DNA position 1024, C replaced by T.
Protein change: p.Arg342Ter; replaces arginine 342 with a stop codon.
Molecular consequence: nonsense.
Genome position (GRCh38, 1-based): chr4:2,829,930, C>T. VCF-style: chr4-2829930-C-T. GRCh37 (hg19) VCF-style: chr4-2831657-C-T.
Other names: c.1108C>T, p.Arg370Ter (NM_001145855.2); c.1195C>T, p.Arg399Ter (NM_001145856.2); c.1024C>T, p.Arg342Ter (NM_003023.4); short protein forms R370*, R399*, R342*.
Identifiers: ClinVar variation 2996367 (VCV002996367.5), dbSNP rs374788058, ClinGen allele CA2819376.